The following is an entry in ClinVar:

NM_138927.4(SON):c.2630C>T (p.Ala877Val)

Gene: SON (SON DNA and RNA binding protein; plus strand). Cytogenetic location: 21q22.11.
Variant type: single nucleotide variant.
Coding change: c.2630C>T on transcript NM_138927.4 (MANE Select); coding-DNA position 2630, C replaced by T.
Protein change: p.Ala877Val; replaces alanine 877 with valine.
Molecular consequence: missense variant. On other transcripts: non-coding transcript variant (1), intron variant (1).
Genome position (GRCh38, 1-based): chr21:33,551,861, C>T. VCF-style: chr21-33551861-C-T. GRCh37 (hg19) VCF-style: chr21-34924167-C-T.
Other names: c.2630C>T, p.Ala877Val (NM_001291411.2, NM_032195.3); c.245-5295C>T (NM_001291412.3); short protein forms A877V.
Identifiers: ClinVar variation 3663601 (VCV003663601.2).

ClinVar aggregate classification (germline): Uncertain significance (1 of 4 stars; one submission).

Submission:

Labcorp Genetics (formerly Invitae), Labcorp
Classification: Uncertain significance. Last evaluated: 2024-08-27. Review status: criteria provided, single submitter. Criteria: Invitae Variant Classification Sherloc (09022015). Collection method: clinical testing. Allele origin: germline.
Comment: This sequence change replaces alanine, which is neutral and non-polar, with valine, which is neutral and non-polar, at codon 877 of the SON protein (p.Ala877Val). This variant is not present in population databases (gnomAD no frequency). This variant has not been reported in the literature in individuals affected with SON-related conditions. An algorithm developed to predict the effect of missense changes on protein structure and function (PolyPhen-2) suggests that this variant is likely to be disruptive. In summary, the available evidence is currently insufficient to determine the role of this variant in disease. Therefore, it has been classified as a Variant of Uncertain Significance.